The following is an entry in ClinVar:

ClinVar aggregate classification (germline): Uncertain significance. Review status: criteria provided, multiple submitters, no conflicts (2 of 4 stars). 2 submissions from 2 submitters: Uncertain significance (2). Last evaluated 2025-08-20.

Conditions:
Hereditary cancer-predisposing syndrome. Also called: Neoplastic Syndromes, Hereditary; Tumor predisposition; Hereditary neoplastic syndrome; Hereditary Cancer Syndrome. Identifiers: Orphanet 140162, MedGen C0027672, MeSH D009386, MONDO:0015356.

Allele frequency attached by ClinVar (database versions not stated): ExAC 0.00001; gnomAD exomes 0.00002; TOPMed 0.00002; gnomAD 0.00003.
gnomAD v4.1: 35 of 1,614,014 alleles (0.0022%); highest among the groups gnomAD compares: Non-Finnish European, 0.003%; no homozygotes.

Submissions (2):

Labcorp Genetics (formerly Invitae), Labcorp
Classification: Uncertain significance. Last evaluated: 2025-08-20. Review status: criteria provided, single submitter. Criteria: Invitae Variant Classification Sherloc (09022015). Collection method: clinical testing. Allele origin: germline.
Comment: This sequence change replaces glutamine, which is neutral and polar, with lysine, which is basic and polar, at codon 922 of the ERCC5 protein (p.Gln922Lys). This variant is present in population databases (rs754964853, gnomAD 0.002%). This variant has not been reported in the literature in individuals affected with ERCC5-related conditions. ClinVar contains an entry for this variant (Variation ID: 1389387). An algorithm developed to predict the effect of missense changes on protein structure and function (PolyPhen-2) suggests that this variant is likely to be tolerated. In summary, the available evidence is currently insufficient to determine the role of this variant in disease. Therefore, it has been classified as a Variant of Uncertain Significance.

Sema4
Classification: Uncertain significance for Hereditary cancer-predisposing syndrome. Last evaluated: 2021-11-16. Review status: criteria provided, single submitter. Criteria: Sema4 Curation Guidelines. Collection method: curation. Allele origin: germline.
Comment: The ERCC5 c.2764C>A (p.Q922K) variant has not been reported in the literature to our knowledge. It was not observed in the large and broad cohorts of the Genome Aggregation Database. In silico tools suggest the impact of the variant on protein function is benign, though these predictions have not been confirmed by functional studies. The evidence is insufficient to meet ACMG/AMP criteria for classifying the variant as benign or pathogenic. Thus, the clinical significance of this variant is currently uncertain.

NM_000123.4(ERCC5):c.2764C>A (p.Gln922Lys)

Genes: BIVM-ERCC5 (BIVM-ERCC5 readthrough; plus strand), ERCC5 (ERCC excision repair 5, endonuclease; plus strand). Cytogenetic location: 13q33.1.
Variant type: single nucleotide variant.
Coding change: c.2764C>A on transcript NM_000123.4 (MANE Select); coding-DNA position 2764, C replaced by A.
Protein change: p.Gln922Lys; replaces glutamine 922 with lysine.
Molecular consequence: missense variant.
Genome position (GRCh38, 1-based): chr13:102,872,283, C>A. VCF-style: chr13-102872283-C-A. GRCh37 (hg19) VCF-style: chr13-103524633-C-A.
Other names: c.4126C>A, p.Gln1376Lys (NM_001204425.2); short protein forms Q1376K, Q922K.
Identifiers: ClinVar variation 1389387 (VCV001389387.7), dbSNP rs754964853, ClinGen allele CA7041731.